The following is an entry in ClinVar:

NM_003467.3(CXCR4):c.728del (p.Ile243fs)

Gene: CXCR4 (C-X-C motif chemokine receptor 4; minus strand). Cytogenetic location: 2q22.1.
Variant type: Deletion.
Coding change: c.728del on transcript NM_003467.3 (MANE Select); coding-DNA position 728, one base deleted (T; older notation c.728delT).
Protein change: p.Ile243fs; shifts the reading frame from isoleucine 243.
Molecular consequence: frameshift variant.
Genome position (GRCh38, 1-based): chr2:136,115,200, A deleted on the plus strand (T on the coding strand, the reverse complement: CXCR4 is on the minus strand). VCF-style (leftmost placement, unchanged base first): chr2-136115199-GA-G. GRCh37 (hg19) VCF-style: chr2-136872769-GA-G.
Other names: c.740del, p.Ile247fs (NM_001008540.2); c.941del, p.Ile314fs (NM_001348056.2); c.827del, p.Ile276fs (NM_001348059.2); c.683del, p.Ile228fs (NM_001348060.2); c.728delT, p.Ile243Thrfs (NM_003467.2); short protein forms I228fs, I243fs, I247fs, I276fs, I314fs.
Identifiers: ClinVar variation 2431001 (VCV002431001.2), dbSNP rs2467263879, ClinGen allele CA2580063827.

ClinVar aggregate classification (germline): Likely pathogenic (1 of 4 stars; one submission).

Submission:

GeneDx
Classification: Likely pathogenic. Last evaluated: 2026-09-25. Review status: criteria provided, single submitter. Criteria: GeneDx Variant Classification Process June 2021. Collection method: clinical testing. Allele origin: germline.
Comment: Not observed at significant frequency in large population cohorts (gnomAD); Has not been previously published as pathogenic or benign to our knowledge; Frameshift variant predicted to result in abnormal protein length as the last 110 amino acids are replaced with 47 different amino acids, and other similar variants have been reported in HGMD.